The following is an entry in ClinVar:

NM_005591.4(MRE11):c.572G>T (p.Arg191Leu)

Gene: MRE11 (MRE11 double strand break repair nuclease; minus strand). Cytogenetic location: 11q21.
Variant type: single nucleotide variant.
Coding change: c.572G>T on transcript NM_005591.4 (MANE Select); coding-DNA position 572, G replaced by T.
Protein change: p.Arg191Leu; replaces arginine 191 with leucine.
Molecular consequence: missense variant.
Genome position (GRCh38, 1-based): chr11:94,476,376, C>A on the plus strand (G>T on the coding strand, the complement: MRE11 is on the minus strand). VCF-style: chr11-94476376-C-A. GRCh37 (hg19) VCF-style: chr11-94209542-C-A.
Other names: c.572G>T, p.Arg191Leu (NM_001330347.2, NM_005590.4); short protein forms R191L.
Identifiers: ClinVar variation 825930 (VCV000825930.4), dbSNP rs746932208, ClinGen allele CA382376961.
Genomic context (GRCh38, chr11:94,476,376, plus strand): 5'-AACCAAGAGTTCTCATCTTCCTTTGGTCTCAACATTGTTACTTTTTTATTGACAAACATT[C>A]GATAGAGCCTTTCATCTGGAATGGATCCTGAAATGGACATTACATTATTTTTAAATTGTT-3'
Protein context (NP_005582.1, residues 181-201): LGSIPDERLY[Arg191Leu]MFVNKKVTML

ClinVar aggregate classification (germline): Uncertain significance (1 of 4 stars; one submission).

Conditions:
Hereditary cancer-predisposing syndrome. Also called: Neoplastic Syndromes, Hereditary; Tumor predisposition; Hereditary neoplastic syndrome; Hereditary Cancer Syndrome. Identifiers: Orphanet 140162, MedGen C0027672, MeSH D009386, MONDO:0015356.

Submission:

Ambry Genetics
Classification: Uncertain significance for Hereditary cancer-predisposing syndrome. Last evaluated: 2018-08-31. Review status: criteria provided, single submitter. Criteria: Ambry Variant Classification Scheme 2023. Collection method: clinical testing. Allele origin: germline.
Comment: The p.R191L variant (also known as c.572G>T), located in coding exon 6 of the MRE11A gene, results from a G to T substitution at nucleotide position 572. The arginine at codon 191 is replaced by leucine, an amino acid with dissimilar properties. This amino acid position is highly conserved in available vertebrate species. In addition, this alteration is predicted to be deleterious by in silico analysis. Since supporting evidence is limited at this time, the clinical significance of this alteration remains unclear.